The following is an entry in ClinVar:

NM_001429.4(EP300):c.2641C>T (p.Pro881Ser)

Gene: EP300 (EP300 lysine acetyltransferase; plus strand). Cytogenetic location: 22q13.2.
Variant type: single nucleotide variant.
Coding change: c.2641C>T on transcript NM_001429.4 (MANE Select); coding-DNA position 2641, C replaced by T.
Protein change: p.Pro881Ser; replaces proline 881 with serine.
Molecular consequence: missense variant.
Genome position (GRCh38, 1-based): chr22:41,150,022, C>T. VCF-style: chr22-41150022-C-T. GRCh37 (hg19) VCF-style: chr22-41546026-C-T.
Other names: c.2563C>T, p.Pro855Ser (NM_001362843.2); c.2641C>T (NM_001429.3); short protein forms P855S, P881S.
Identifiers: ClinVar variation 2124101 (VCV002124101.5), dbSNP rs1341258230, ClinGen allele CA411691703.
Genomic context (GRCh38, chr22:41,150,022, plus strand): 5'-GCCCCTGTTCCTACACCTCCTGCCATGCCACCTGGGCCACAGTCCCAGGCTCTACATCCC[C>T]CTCCAAGGCAGACACCTACACCACCAACAACACAACTTCCCCAACAAGTGCAGCCTTCAC-3'
Protein context (NP_001420.2, residues 871-891): PGPQSQALHP[Pro881Ser]PRQTPTPPTT

ClinVar aggregate classification (germline): Uncertain significance. Review status: criteria provided, multiple submitters, no conflicts (2 of 4 stars). 2 submissions from 2 submitters: Uncertain significance (2). Last evaluated 2023-09-19.

Conditions:
EP300-related disorder. Also called: EP300-related condition; EP300-related disorders.
Rubinstein-Taybi syndrome due to EP300 haploinsufficiency. Also called: EP300-Related Rubinstein-Taybi Syndrome; RUBINSTEIN-TAYBI SYNDROME 2. Identifiers: Orphanet 353284, Orphanet 783, MedGen C3150941, MONDO:0013364, OMIM 613684.

Submissions (2):

PreventionGenetics, part of Exact Sciences
Classification: Uncertain significance for EP300-related condition. Last evaluated: 2023-09-19. Review status: criteria provided, single submitter. Criteria: ACMG Guidelines, 2015. Collection method: clinical testing. Allele origin: germline.
Comment: The EP300 c.2641C>T variant is predicted to result in the amino acid substitution p.Pro881Ser. To our knowledge, this variant has not been reported in the literature or in a large population database, indicating this variant is rare. At this time, the clinical significance of this variant is uncertain due to the absence of conclusive functional and genetic evidence.

Labcorp Genetics (formerly Invitae), Labcorp
Classification: Uncertain significance for Rubinstein-Taybi syndrome due to EP300 haploinsufficiency. Last evaluated: 2022-04-30. Review status: criteria provided, single submitter. Criteria: Invitae Variant Classification Sherloc (09022015). Collection method: clinical testing. Allele origin: germline.
Comment: Advanced modeling of protein sequence and biophysical properties (such as structural, functional, and spatial information, amino acid conservation, physicochemical variation, residue mobility, and thermodynamic stability) performed at Invitae indicates that this missense variant is not expected to disrupt EP300 protein function. In summary, the available evidence is currently insufficient to determine the role of this variant in disease. Therefore, it has been classified as a Variant of Uncertain Significance. This variant has not been reported in the literature in individuals affected with EP300-related conditions. This variant is not present in population databases (gnomAD no frequency). This sequence change replaces proline, which is neutral and non-polar, with serine, which is neutral and polar, at codon 881 of the EP300 protein (p.Pro881Ser).